The following is an entry in ClinVar:

NM_017849.4(TMEM127):c.608A>C (p.Glu203Ala)

Gene: TMEM127 (transmembrane protein 127; minus strand). Cytogenetic location: 2q11.2.
Variant type: single nucleotide variant.
Coding change: c.608A>C on transcript NM_017849.4 (MANE Select); coding-DNA position 608, A replaced by C.
Protein change: p.Glu203Ala; replaces glutamic acid 203 with alanine.
Molecular consequence: missense variant.
Genome position (GRCh38, 1-based): chr2:96,253,917, T>G on the plus strand (A>C on the coding strand, the complement: TMEM127 is on the minus strand). VCF-style: chr2-96253917-T-G. GRCh37 (hg19) VCF-style: chr2-96919655-T-G.
Other names: c.608A>C, p.Glu203Ala (NM_001193304.3); c.356A>C, p.Glu119Ala (NM_001407282.1, NM_001407283.1); short protein forms E119A, E203A.
Identifiers: ClinVar variation 1751488 (VCV001751488.2), dbSNP rs2104283532, ClinGen allele CA347651971.

ClinVar aggregate classification (germline): Uncertain significance (1 of 4 stars; one submission).

Conditions:
Hereditary cancer-predisposing syndrome. Also called: Hereditary Cancer Syndrome; Hereditary neoplastic syndrome; Neoplastic Syndromes, Hereditary; Tumor predisposition. Identifiers: Orphanet 140162, MedGen C0027672, MeSH D009386, MONDO:0015356.

Submission:

Ambry Genetics
Classification: Uncertain significance for Hereditary cancer-predisposing syndrome. Last evaluated: 2020-10-14. Review status: criteria provided, single submitter. Criteria: Ambry Variant Classification Scheme 2023. Collection method: clinical testing. Allele origin: germline.
Comment: The p.E203A variant (also known as c.608A>C), located in coding exon 3 of the TMEM127 gene, results from an A to C substitution at nucleotide position 608. The glutamic acid at codon 203 is replaced by alanine, an amino acid with dissimilar properties. This amino acid position is highly conserved in available vertebrate species. In addition, the in silico prediction for this alteration is inconclusive. Since supporting evidence is limited at this time, the clinical significance of this alteration remains unclear.